The following is an entry in ClinVar:

ClinVar aggregate classification (germline): Uncertain significance (1 of 4 stars; one submission).

Submission:

Labcorp Genetics (formerly Invitae), Labcorp
Classification: Uncertain significance. Last evaluated: 2025-04-17. Review status: criteria provided, single submitter. Criteria: Invitae Variant Classification Sherloc (09022015). Collection method: clinical testing. Allele origin: germline.
Comment: This sequence change replaces valine, which is neutral and non-polar, with glycine, which is neutral and non-polar, at codon 417 of the PHEX protein (p.Val417Gly). This variant is not present in population databases (gnomAD no frequency). This variant has not been reported in the literature in individuals affected with PHEX-related conditions. ClinVar contains an entry for this variant (Variation ID: 2695133). Invitae Evidence Modeling of protein sequence and biophysical properties (such as structural, functional, and spatial information, amino acid conservation, physicochemical variation, residue mobility, and thermodynamic stability) indicates that this missense variant is expected to disrupt PHEX protein function with a positive predictive value of 95%. In summary, the available evidence is currently insufficient to determine the role of this variant in disease. Therefore, it has been classified as a Variant of Uncertain Significance.

NM_000444.6(PHEX):c.1250T>G (p.Val417Gly)

Gene: PHEX (phosphate regulating endopeptidase X-linked; plus strand). Cytogenetic location: Xp22.11.
Variant type: single nucleotide variant.
Coding change: c.1250T>G on transcript NM_000444.6 (MANE Select); coding-DNA position 1250, T replaced by G.
Protein change: p.Val417Gly; replaces valine 417 with glycine.
Molecular consequence: missense variant.
Genome position (GRCh38, 1-based): chrX:22,114,534, T>G. VCF-style: chrX-22114534-T-G. GRCh37 (hg19) VCF-style: chrX-22132652-T-G.
Other names: c.1250T>G, p.Val417Gly (NM_001282754.2); short protein forms V417G.
Identifiers: ClinVar variation 2695133 (VCV002695133.3), dbSNP rs2518520708, ClinGen allele CA412573539.